The following is an entry in ClinVar:

NM_032776.3(JMJD1C):c.4573A>G (p.Ser1525Gly)

Gene: JMJD1C (jumonji domain containing 1C; minus strand). Cytogenetic location: 10q21.3.
Variant type: single nucleotide variant.
Coding change: c.4573A>G on transcript NM_032776.3 (MANE Select); coding-DNA position 4573, A replaced by G.
Protein change: p.Ser1525Gly; replaces serine 1525 with glycine.
Molecular consequence: missense variant. On other transcripts: non-coding transcript variant (1).
Genome position (GRCh38, 1-based): chr10:63,207,096, T>C on the plus strand (A>G on the coding strand, the complement: JMJD1C is on the minus strand). VCF-style: chr10-63207096-T-C. GRCh37 (hg19) VCF-style: chr10-64966856-T-C.
Other names: c.4027A>G, p.Ser1343Gly (NM_001282948.2, NM_001318154.2); c.3709A>G, p.Ser1237Gly (NM_001318153.2); c.4459A>G, p.Ser1487Gly (NM_001322252.2); c.3916A>G, p.Ser1306Gly (NM_001322254.2, NM_001322258.2); short protein forms S1237G, S1306G, S1343G, S1525G, S1487G.
Identifiers: ClinVar variation 942660 (VCV000942660.9), dbSNP rs1846718907, ClinGen allele CA377037089.
Genomic context (GRCh38, chr10:63,207,096, plus strand): 5'-TTGGTTGACTTGTCTGGGAAGCTTGCCCATTTCCTACAGAGTTTGCTTTGTTAATTGTAC[T>C]ACAGATTACAGTGCTATCCAGAGGAAGGGAGGCTGAAAGTGTCTGATTTTTTATAGCATT-3'
Protein context (NP_116165.1, residues 1515-1535): SLPLDSTVIC[Ser1525Gly]TINKANSVGN

ClinVar aggregate classification (germline): Uncertain significance (1 of 4 stars; one submission).

Conditions:
Early Myoclonic Encephalopathy. Identifiers: MedGen C0270855.

Submission:

Labcorp Genetics (formerly Invitae), Labcorp
Classification: Uncertain significance for Early Myoclonic Encephalopathy. Last evaluated: 2019-09-25. Review status: criteria provided, single submitter. Criteria: Invitae Variant Classification Sherloc (09022015). Collection method: clinical testing. Allele origin: germline.
Comment: This sequence change replaces serine with glycine at codon 1525 of the JMJD1C protein (p.Ser1525Gly). The serine residue is moderately conserved and there is a small physicochemical difference between serine and glycine. In summary, the available evidence is currently insufficient to determine the role of this variant in disease. Therefore, it has been classified as a Variant of Uncertain Significance. Algorithms developed to predict the effect of missense changes on protein structure and function output the following: SIFT: "Tolerated"; PolyPhen-2: "Benign"; Align-GVGD: "Class C0". The glycine amino acid residue is found in multiple mammalian species, suggesting that this missense change does not adversely affect protein function. These predictions have not been confirmed by published functional studies and their clinical significance is uncertain. This variant has not been reported in the literature in individuals with JMJD1C-related conditions. This variant is not present in population databases (ExAC no frequency).